The following is an entry in ClinVar:

NM_005138.3(SCO2):c.604A>G (p.Ser202Gly)

Genes: NCAPH2 (non-SMC condensin II complex subunit H2; plus strand), SCO2 (synthesis of cytochrome C oxidase 2; minus strand). Cytogenetic location: 22q13.33.
Variant type: single nucleotide variant.
Coding change: c.604A>G on transcript NM_005138.3 (MANE Select); coding-DNA position 604, A replaced by G.
Protein change: p.Ser202Gly; replaces serine 202 with glycine.
Molecular consequence: missense variant. On other transcripts: 3 prime UTR variant (2).
Genome position (GRCh38, 1-based): chr22:50,523,808, T>C on the plus strand (A>G on the coding strand, the complement: SCO2 is on the minus strand). VCF-style: chr22-50523808-T-C. GRCh37 (hg19) VCF-style: chr22-50962237-T-C.
Other names: c.*433T>C (NM_001185011.2, NM_152299.4); c.604A>G, p.Ser202Gly (NM_001169109.2, NM_001169110.1, NM_001169111.2); short protein forms S202G.
Identifiers: ClinVar variation 2024049 (VCV002024049.4), dbSNP rs2522467347, ClinGen allele CA412191946.

ClinVar aggregate classification (germline): Uncertain significance (1 of 4 stars; one submission).

Submission:

Labcorp Genetics (formerly Invitae), Labcorp
Classification: Uncertain significance. Last evaluated: 2022-08-13. Review status: criteria provided, single submitter. Criteria: Invitae Variant Classification Sherloc (09022015). Collection method: clinical testing. Allele origin: germline.
Comment: In summary, the available evidence is currently insufficient to determine the role of this variant in disease. Therefore, it has been classified as a Variant of Uncertain Significance. Algorithms developed to predict the effect of missense changes on protein structure and function (SIFT, PolyPhen-2, Align-GVGD) all suggest that this variant is likely to be tolerated. This variant has not been reported in the literature in individuals affected with SCO2-related conditions. This variant is not present in population databases (gnomAD no frequency). This sequence change replaces serine, which is neutral and polar, with glycine, which is neutral and non-polar, at codon 202 of the SCO2 protein (p.Ser202Gly).